The following is an entry in ClinVar:

ClinVar aggregate classification (germline): Uncertain significance (1 of 4 stars; one submission).

Conditions:
Hereditary cancer-predisposing syndrome. Also called: Tumor predisposition; Hereditary neoplastic syndrome; Hereditary Cancer Syndrome; Neoplastic Syndromes, Hereditary. Identifiers: Orphanet 140162, MedGen C0027672, MeSH D009386, MONDO:0015356.

Submission:

Ambry Genetics
Classification: Uncertain significance for Hereditary cancer-predisposing syndrome. Last evaluated: 2024-03-11. Review status: criteria provided, single submitter. Criteria: Ambry Variant Classification Scheme 2023. Collection method: clinical testing. Allele origin: germline.
Comment: The p.E1408Q variant (also known as c.4222G>C), located in coding exon 29 of the ALK gene, results from a G to C substitution at nucleotide position 4222. The glutamic acid at codon 1408 is replaced by glutamine, an amino acid with highly similar properties. This amino acid position is conserved. In addition, the in silico prediction for this alteration is inconclusive. Based on the available evidence, the clinical significance of this alteration remains unclear.

NM_004304.5(ALK):c.4222G>C (p.Glu1408Gln)

Gene: ALK (ALK receptor tyrosine kinase; minus strand). Cytogenetic location: 2p23.2.
Variant type: single nucleotide variant.
Coding change: c.4222G>C on transcript NM_004304.5 (MANE Select); coding-DNA position 4222, G replaced by C.
Protein change: p.Glu1408Gln; replaces glutamic acid 1408 with glutamine.
Molecular consequence: missense variant.
Genome position (GRCh38, 1-based): chr2:29,193,865, C>G on the plus strand (G>C on the coding strand, the complement: ALK is on the minus strand). VCF-style: chr2-29193865-C-G. GRCh37 (hg19) VCF-style: chr2-29416731-C-G.
Other names: c.1018G>C, p.Glu340Gln (NM_001353765.2); short protein forms E1408Q, E340Q.
Identifiers: ClinVar variation 3223897 (VCV003223897.1), dbSNP rs145600484, ClinGen allele CA346463238.
Genomic context (GRCh38, chr2:29,193,865, plus strand): 5'-GAGAGACCAGGAGAGGAGGAACCCCCTCAGGGTCCTTGGGCCTCACAGGCACTTTCTCTT[C>G]CTCTTCCACAAGTGGACCATATTCTATCGGCAAAGCGGTGTTGATTACATCCGGGTCCTG-3'
Protein context (NP_004295.2, residues 1398-1418): PIEYGPLVEE[Glu1408Gln]EKVPVRPKDP